The following is an entry in ClinVar:

ClinVar aggregate classification (germline): Uncertain significance. Review status: criteria provided, multiple submitters, no conflicts (2 of 4 stars). 2 submissions from 2 submitters: Uncertain significance (2). Last evaluated 2024-02-23.

Conditions:
KDM6A-related disorder. Also called: KDM6A-related condition.

Submissions (2):

GeneDx
Classification: Uncertain significance. Last evaluated: 2024-02-23. Review status: criteria provided, single submitter. Criteria: GeneDx Variant Classification Process June 2021. Collection method: clinical testing. Allele origin: germline. Affected: yes.
Comment: Not observed at significant frequency in large population cohorts (gnomAD); In silico analysis supports that this missense variant has a deleterious effect on protein structure/function; Has not been previously published as pathogenic or benign to our knowledge

PreventionGenetics, part of Exact Sciences
Classification: Uncertain significance for KDM6A-related condition. Last evaluated: 2022-10-07. Review status: criteria provided, single submitter. Criteria: ACMG Guidelines, 2015. Collection method: clinical testing. Allele origin: germline.
Comment: The KDM6A c.1610C>T variant is predicted to result in the amino acid substitution p.Ser537Leu. To our knowledge, this variant has not been reported in the literature or in a large population database, indicating this variant is rare. At this time, the clinical significance of this variant is uncertain due to the absence of conclusive functional and genetic evidence.

NM_001291415.2(KDM6A):c.1766C>T (p.Ser589Leu)

Gene: KDM6A (lysine demethylase 6A; plus strand). Cytogenetic location: Xp11.3.
Variant type: single nucleotide variant.
Coding change: c.1766C>T on transcript NM_001291415.2 (MANE Select); coding-DNA position 1766, C replaced by T.
Protein change: p.Ser589Leu; replaces serine 589 with leucine.
Molecular consequence: missense variant. On other transcripts: non-coding transcript variant (1).
Genome position (GRCh38, 1-based): chrX:45,063,504, C>T. VCF-style: chrX-45063504-C-T. GRCh37 (hg19) VCF-style: chrX-44922749-C-T.
Other names: c.1631C>T, p.Ser544Leu (NM_001291416.2, NM_001419811.1); c.1475C>T, p.Ser492Leu (NM_001291417.2); c.1373C>T, p.Ser458Leu (NM_001291418.2, NM_001419815.1); c.722C>T, p.Ser241Leu (NM_001291421.2); c.1508C>T, p.Ser503Leu (NM_001410742.1, NM_001419814.1); c.1766C>T, p.Ser589Leu (NM_001419809.1); c.1664C>T, p.Ser555Leu (NM_001419810.1, NM_001419813.1); c.1610C>T, p.Ser537Leu (NM_001419812.1, NM_021140.4); and 1 more; short protein forms S241L, S458L, S492L, S503L, S537L, S544L, S555L, S589L.
Identifiers: ClinVar variation 2628448 (VCV002628448.2), dbSNP rs2147991624, ClinGen allele CA412788179.